The following is an entry in ClinVar:

ClinVar aggregate classification (germline): Uncertain significance (1 of 4 stars; one submission).

Conditions:
Hyperekplexia 2 (HKPX2). Identifiers: Orphanet 3197, MedGen C3553291, MONDO:0013828, OMIM 614619.

Allele frequency attached by ClinVar (database versions not stated): gnomAD exomes below 0.00001; TOPMed below 0.00001; ExAC 0.00001.
gnomAD v4.1: 1 of 1,614,084 alleles (0.000062%); highest among the groups gnomAD compares: Admixed American, 0.0017%; no homozygotes.

Submission:

Labcorp Genetics (formerly Invitae), Labcorp
Classification: Uncertain significance for Hyperekplexia 2. Last evaluated: 2021-03-29. Review status: criteria provided, single submitter. Criteria: Invitae Variant Classification Sherloc (09022015). Collection method: clinical testing. Allele origin: germline.
Comment: This sequence change replaces glutamic acid with lysine at codon 361 of the GLRB protein (p.Glu361Lys). The glutamic acid residue is highly conserved and there is a small physicochemical difference between glutamic acid and lysine. In summary, the available evidence is currently insufficient to determine the role of this variant in disease. Therefore, it has been classified as a Variant of Uncertain Significance. Advanced modeling of protein sequence and biophysical properties (such as structural, functional, and spatial information, amino acid conservation, physicochemical variation, residue mobility, and thermodynamic stability) performed at Invitae indicates that this missense variant is not expected to disrupt GLRB protein function. This variant has not been reported in the literature in individuals with GLRB-related conditions. This variant is present in population databases (rs748518342, ExAC 0.009%).

NM_000824.5(GLRB):c.1081G>A (p.Glu361Lys)

Gene: GLRB (glycine receptor beta; plus strand). Cytogenetic location: 4q32.1.
Variant type: single nucleotide variant.
Coding change: c.1081G>A on transcript NM_000824.5 (MANE Select); coding-DNA position 1081, G replaced by A.
Protein change: p.Glu361Lys; replaces glutamic acid 361 with lysine.
Molecular consequence: missense variant. On other transcripts: intron variant (1).
Genome position (GRCh38, 1-based): chr4:157,152,894, G>A. VCF-style: chr4-157152894-G-A. GRCh37 (hg19) VCF-style: chr4-158074046-G-A.
Other names: c.1081G>A, p.Glu361Lys (NM_001166060.2); c.904+8935G>A (NM_001166061.2); short protein forms E361K.
Identifiers: ClinVar variation 1364103 (VCV001364103.8), dbSNP rs748518342, ClinGen allele CA3119939.